The following is an entry in ClinVar:

NC_000003.11:g.(?_183894782)_(183901404_?)del

Gene: AP2M1 (adaptor related protein complex 2 subunit mu 1; plus strand). Cytogenetic location: 3q27.1.
Variant type: Deletion.
Identifiers: ClinVar variation 2425015 (VCV002425015.3).

ClinVar aggregate classification (germline): Uncertain significance (1 of 4 stars; one submission).

Submission:

Labcorp Genetics (formerly Invitae), Labcorp
Classification: Uncertain significance. Last evaluated: 2022-09-06. Review status: criteria provided, single submitter. Criteria: Invitae Variant Classification Sherloc (09022015). Collection method: clinical testing. Allele origin: germline.
Comment: A gross deletion of the genomic region encompassing the full coding sequence of the AP2M1 gene has been identified. The current clinical and genetic evidence is not sufficient to establish whether loss-of-function variants in AP2M1 cause disease. The boundaries of this event are unknown as they extend beyond the assayed region for this gene and therefore may encompass additional genes. This variant has not been reported in the literature in individuals affected with AP2M1-related conditions. In summary, the available evidence is currently insufficient to determine the role of this variant in disease. Therefore, it has been classified as a Variant of Uncertain Significance.